The following is an entry in ClinVar:

NM_000883.4(IMPDH1):c.286G>T (p.Gly96Cys)

Gene: IMPDH1 (inosine monophosphate dehydrogenase 1; minus strand). Cytogenetic location: 7q32.1.
Variant type: single nucleotide variant.
Coding change: c.286G>T on transcript NM_000883.4 (MANE Select); coding-DNA position 286, G replaced by T.
Protein change: p.Gly96Cys; replaces glycine 96 with cysteine.
Molecular consequence: missense variant. On other transcripts: intron variant (2).
Genome position (GRCh38, 1-based): chr7:128,405,834, C>A on the plus strand (G>T on the coding strand, the complement: IMPDH1 is on the minus strand). VCF-style: chr7-128405834-C-A. GRCh37 (hg19) VCF-style: chr7-128045888-C-A.
Other names: c.178G>T, p.Gly60Cys (NM_183243.3); c.147-2080G>T (NM_001304521.2); c.255-2080G>T (NM_001142576.2); c.256G>T, p.Gly86Cys (NM_001102605.2); c.31G>T, p.Gly11Cys (NM_001142573.2, NM_001142574.2, NM_001142575.2); short protein forms G96C, G60C, G86C, G11C.
Identifiers: ClinVar variation 1403473 (VCV001403473.8), dbSNP rs1056167530, ClinGen allele CA369178495.

ClinVar aggregate classification (germline): Uncertain significance (1 of 4 stars; one submission).

Submission:

Labcorp Genetics (formerly Invitae), Labcorp
Classification: Uncertain significance. Last evaluated: 2022-10-05. Review status: criteria provided, single submitter. Criteria: Invitae Variant Classification Sherloc (09022015). Collection method: clinical testing. Allele origin: germline.
Comment: In summary, the available evidence is currently insufficient to determine the role of this variant in disease. Therefore, it has been classified as a Variant of Uncertain Significance. This sequence change replaces glycine, which is neutral and non-polar, with cysteine, which is neutral and slightly polar, at codon 96 of the IMPDH1 protein (p.Gly96Cys). This variant is not present in population databases (gnomAD no frequency). This variant has not been reported in the literature in individuals affected with IMPDH1-related conditions. ClinVar contains an entry for this variant (Variation ID: 1403473). Algorithms developed to predict the effect of missense changes on protein structure and function are either unavailable or do not agree on the potential impact of this missense change (SIFT: "Deleterious"; PolyPhen-2: "Benign"; Align-GVGD: "Class C15").